The following is an entry in ClinVar:

ClinVar aggregate classification (germline): Benign (1 of 4 stars; one submission).

Conditions:
Macular corneal dystrophy (MCD). Also called: GROENOUW TYPE II CORNEAL DYSTROPHY; Macular corneal dystrophy Type I. Identifiers: Orphanet 98969, MedGen C1636149, MONDO:0009020, OMIM 217800.

Allele frequency attached by ClinVar (database versions not stated): gnomAD exomes 0.00038; gnomAD 0.00365 and 0.00398; TOPMed 0.00402; 1000 Genomes Project 30x 0.00406; 1000 Genomes Project 0.00419.
gnomAD v4.1: 653 of 396,952 alleles (0.16%); highest among the groups gnomAD compares: African/African-American, 1.2%; 3 homozygotes.

Submission:

Illumina Laboratory Services, Illumina
Classification: Benign for Macular corneal dystrophy. Last evaluated: 2018-01-13. Review status: criteria provided, single submitter. Criteria: ICSL Variant Classification Criteria 13 December 2019. Collection method: clinical testing. Allele origin: germline.
Comment: This variant was observed in the ICSL laboratory as part of a predisposition screen in an ostensibly healthy population. It had not been previously curated by ICSL or reported in the Human Gene Mutation Database (HGMD: prior to June 1st, 2018), and was therefore a candidate for classification through an automated scoring system. Utilizing variant allele frequency, disease prevalence and penetrance estimates, and inheritance mode, an automated score was calculated to assess if this variant is too frequent to cause the disease. Based on the score and internal cut-off values, a variant classified as benign is not then subjected to further curation. The score for this variant resulted in a classification of benign for this disease.

NM_021615.5(CHST6):c.*4155C>T

Gene: CHST6 (carbohydrate sulfotransferase 6; minus strand). Cytogenetic location: 16q23.1.
Variant type: single nucleotide variant.
Coding change: c.*4155C>T on transcript NM_021615.5 (MANE Select); 4155 bases downstream of the stop codon, C replaced by T.
Molecular consequence: 3 prime UTR variant.
Genome position (GRCh38, 1-based): chr16:75,474,486, G>A on the plus strand (C>T on the coding strand, the complement: CHST6 is on the minus strand). VCF-style: chr16-75474486-G-A. GRCh37 (hg19) VCF-style: chr16-75508384-G-A.
Identifiers: ClinVar variation 320522 (VCV000320522.5), dbSNP rs114790233, ClinGen allele CA10648075.
Genomic context (GRCh38, chr16:75,474,486, plus strand): 5'-CACCATGCCCTGCTAATTTTTTTTTAACTTTGTAGAGATGGGGTCTCACTATGTTGCCCA[G>A]GCTGGTCTTGAGTGCCTGGTCTCAAGTGATCCTCCTGCCTCAGCCTTGCAAAGTATTGGG-3'